The following is an entry in ClinVar:

NM_020297.4(ABCC9):c.2066C>T (p.Ser689Phe)

Gene: ABCC9 (ATP binding cassette subfamily C member 9; minus strand). Cytogenetic location: 12p12.1.
Variant type: single nucleotide variant.
Coding change: c.2066C>T on transcript NM_020297.4 (MANE Select); coding-DNA position 2066, C replaced by T.
Protein change: p.Ser689Phe; replaces serine 689 with phenylalanine.
Molecular consequence: missense variant.
Genome position (GRCh38, 1-based): chr12:21,875,680, G>A on the plus strand (C>T on the coding strand, the complement: ABCC9 is on the minus strand). VCF-style: chr12-21875680-G-A. GRCh37 (hg19) VCF-style: chr12-22028614-G-A.
Other names: c.2066C>T, p.Ser689Phe (NM_001377273.1, NM_005691.4); c.1202C>T, p.Ser401Phe (NM_001377274.1); short protein forms S689F, S401F.
Identifiers: ClinVar variation 191588 (VCV000191588.8), dbSNP rs200288646, ClinGen allele CA236998.
Genomic context (GRCh38, chr12:21,875,680, plus strand): 5'-ACAATTACAAAAATGCATAACAGATAACTCTTACCTGTTGGAATTCGAATATCTATATTG[G>A]ATAATGTAGCTAAACCACTGCCCCATGAAAAGTATCCATTTGTGACCTACAAAATAAAAA-3'
Protein context (NP_064693.2, residues 679-699): FSWGSGLATL[Ser689Phe]NIDIRIPTGQ

ClinVar aggregate classification (germline): Uncertain significance. Review status: criteria provided, multiple submitters, no conflicts (2 of 4 stars). 2 submissions from 2 submitters: Uncertain significance (2). Last evaluated 2025-12-31.

Conditions:
Dilated cardiomyopathy 1O (CMD1O). Also called: CARDIOMYOPATHY, DILATED, WITH VENTRICULAR TACHYCARDIA. Identifiers: Orphanet 154, MedGen C1837839, MONDO:0012062, OMIM 608569.

Allele frequency attached by ClinVar (database versions not stated): gnomAD exomes below 0.00001; TOPMed below 0.00001; gnomAD 0.00001.
gnomAD v4.1: 4 of 1,612,514 alleles (0.00025%); highest among the groups gnomAD compares: Non-Finnish European, 0.00034%; no homozygotes.

Submissions (2):

Labcorp Genetics (formerly Invitae), Labcorp
Classification: Uncertain significance for Dilated cardiomyopathy 1O. Last evaluated: 2025-12-31. Review status: criteria provided, single submitter. Criteria: Invitae Variant Classification Sherloc (09022015). Collection method: clinical testing. Allele origin: germline.
Comment: This sequence change replaces serine, which is neutral and polar, with phenylalanine, which is neutral and non-polar, at codon 689 of the ABCC9 protein (p.Ser689Phe). This variant is present in population databases (rs200288646, gnomAD 0.007%). This variant has not been reported in the literature in individuals affected with ABCC9-related conditions. ClinVar contains an entry for this variant (Variation ID: 191588). Invitae Evidence Modeling of protein sequence and biophysical properties (such as structural, functional, and spatial information, amino acid conservation, physicochemical variation, residue mobility, and thermodynamic stability) has been performed for this missense variant. However, the output from this modeling did not meet the statistical confidence thresholds required to predict the impact of this variant on ABCC9 protein function. In summary, the available evidence is currently insufficient to determine the role of this variant in disease. Therefore, it has been classified as a Variant of Uncertain Significance.

Biesecker Lab/Clinical Genomics Section, National Institutes of Health
Classification: Uncertain significance. Last evaluated: 2013-06-24. Review status: criteria provided, single submitter. Criteria: Ng et al. (Circ Cardiovasc Genet. 2013). Collection method: research. Allele origin: unknown. Observed: 1 variant allele. Study: ClinSeq.
Comment: The study set was not selected for affection status in relation to any cancer. Pathogenicity categories were based on literature curation. See Pubmed ID:23861362 for details.

Medical sequencing